The following is an entry in ClinVar:

NM_002397.5(MEF2C):c.258+10C>T

Gene: MEF2C (myocyte enhancer factor 2C; minus strand). Cytogenetic location: 5q14.3.
Variant type: single nucleotide variant.
Coding change: c.258+10C>T on transcript NM_002397.5 (MANE Select); 10 bases into the intron after coding-DNA position 258, C replaced by T.
Molecular consequence: intron variant.
Genome position (GRCh38, 1-based): chr5:88,804,588, G>A on the plus strand (C>T on the coding strand, the complement: MEF2C is on the minus strand). VCF-style: chr5-88804588-G-A. GRCh37 (hg19) VCF-style: chr5-88100405-G-A.
Other names: c.258+10C>T (NM_001364329.2, NM_001364330.2, NM_001364333.2 and 29 more transcripts).
Identifiers: ClinVar variation 354586 (VCV000354586.13), dbSNP rs563149132, ClinGen allele CA3337362.

ClinVar aggregate classification (germline): Benign/Likely benign. Review status: criteria provided, multiple submitters, no conflicts (2 of 4 stars). 3 submissions from 3 submitters: Benign (1); Likely benign (1). 1 of the submissions does not count toward it. Last evaluated 2026-01-05.

Conditions:
MEF2C-related disorder. Also called: MEF2C-related condition; MEF2C-related disorders. Identifiers: MedGen CN381096.
Neurodevelopmental disorder with hypotonia, stereotypic hand movements, and impaired language. Also called: Intellectual disability, autosomal dominant 20. Identifiers: Orphanet 228384, Orphanet 664410, MedGen C3150700, MONDO:0013266, OMIM 613443.

Allele frequency attached by ClinVar (database versions not stated): gnomAD 0.00003 and 0.00004; ExAC 0.00006; TOPMed 0.00006; gnomAD exomes 0.00007.
gnomAD v4.1: 109 of 1,613,128 alleles (0.0068%); highest among the groups gnomAD compares: Middle Eastern, 0.035%; 1 homozygote.

Submissions (3):

Labcorp Genetics (formerly Invitae), Labcorp
Classification: Benign for Neurodevelopmental disorder with hypotonia, stereotypic hand movements, and impaired language. Last evaluated: 2026-01-05. Review status: criteria provided, single submitter. Criteria: Invitae Variant Classification Sherloc (09022015). Collection method: clinical testing. Allele origin: germline.

GeneDx
Classification: Likely benign. Last evaluated: 2017-07-03. Review status: criteria provided, single submitter. Criteria: GeneDx Variant Classification (06012015). Collection method: clinical testing. Allele origin: germline. Affected: yes.
Comment: This variant is considered likely benign or benign based on one or more of the following criteria: it is a conservative change, it occurs at a poorly conserved position in the protein, it is predicted to be benign by multiple in silico algorithms, and/or has population frequency not consistent with disease.

PreventionGenetics, part of Exact Sciences
Classification: Likely benign for MEF2C-related condition. Last evaluated: 2019-11-18. Review status: no assertion criteria provided. Collection method: clinical testing. Allele origin: germline. Not counted in ClinVar's aggregate classification.
Comment: This variant is classified as likely benign based on ACMG/AMP sequence variant interpretation guidelines (Richards et al. 2015 PMID: 25741868, with internal and published modifications).